The following is an entry in ClinVar:

NM_006947.4(SRP72):c.1151T>C (p.Ile384Thr)

Gene: SRP72 (signal recognition particle 72; plus strand). Cytogenetic location: 4q12.
Variant type: single nucleotide variant.
Coding change: c.1151T>C on transcript NM_006947.4 (MANE Select); coding-DNA position 1151, T replaced by C.
Protein change: p.Ile384Thr; replaces isoleucine 384 with threonine.
Molecular consequence: missense variant. On other transcripts: non-coding transcript variant (1).
Genome position (GRCh38, 1-based): chr4:56,486,389, T>C. VCF-style: chr4-56486389-T-C. GRCh37 (hg19) VCF-style: chr4-57352555-T-C.
Other names: c.968T>C, p.Ile323Thr (NM_001267722.2); short protein forms I384T, I323T.
Identifiers: ClinVar variation 4589603 (VCV004589603.1).
Genomic context (GRCh38, chr4:56,486,389, plus strand): 5'-TTTCAGATCAGCATCCAGAAAATGCAGCTGAAATTAAGCTGACCATGGCACAGTTGAAAA[T>C]TTCTCAAGGTATTATGGTTTTCATCATGATTAAAATATTTTAATGAAAACATGTTTGGAA-3'
Protein context (NP_008878.3, residues 374-394): EIKLTMAQLK[Ile384Thr]SQGNISKACL

ClinVar aggregate classification (germline): Uncertain significance (1 of 4 stars; one submission).

Submission:

Ambry Genetics
Classification: Uncertain significance. Last evaluated: 2025-10-14. Review status: criteria provided, single submitter. Criteria: Ambry Variant Classification Scheme 2023. Collection method: clinical testing. Allele origin: germline.
Comment: The p.I384T variant (also known as c.1151T>C), located in coding exon 11 of the SRP72 gene, results from a T to C substitution at nucleotide position 1151. The isoleucine at codon 384 is replaced by threonine, an amino acid with similar properties. This amino acid position is conserved. In addition, this alteration is predicted to be tolerated by in silico analysis. Based on the available evidence, the clinical significance of this variant remains unclear.